The following is an entry in ClinVar:

NM_015915.5(ATL1):c.1244G>A (p.Arg415Gln)

Gene: ATL1 (atlastin GTPase 1; plus strand). Cytogenetic location: 14q22.1.
Variant type: single nucleotide variant.
Coding change: c.1244G>A on transcript NM_015915.5 (MANE Select); coding-DNA position 1244, G replaced by A.
Protein change: p.Arg415Gln; replaces arginine 415 with glutamine.
Molecular consequence: missense variant.
Genome position (GRCh38, 1-based): chr14:50,628,155, G>A. VCF-style: chr14-50628155-G-A. GRCh37 (hg19) VCF-style: chr14-51094873-G-A.
Other names: c.1244G>A, p.Arg415Gln (NM_001127713.1, NM_181598.4); short protein forms R415Q.
Identifiers: ClinVar variation 56844 (VCV000056844.9), dbSNP rs397514712, ClinGen allele CA264213.

ClinVar aggregate classification (germline): Conflicting classifications of pathogenicity. Review status: criteria provided, conflicting classifications (1 of 4 stars). 4 submissions from 4 submitters: Likely pathogenic (1); Uncertain significance (2). 1 of the submissions does not count toward it. Last evaluated 2023-03-28.

Conditions:
Hereditary spastic paraplegia 3A (SPG3A). Also called: SPASTIC PARAPLEGIA 3, AUTOSOMAL DOMINANT; FAMILIAL SPASTIC PARAPLEGIA, AUTOSOMAL DOMINANT, 1; SPG3; STRUMPELL DISEASE; Spastic Paraplegia 3A; Spastic paraplegia 3A, autosomal dominant. Identifiers: Orphanet 100984, MedGen C2931355, MONDO:0008437, OMIM 182600.

Allele frequency attached by ClinVar (database versions not stated): gnomAD exomes below 0.00001 and 0.00001; TOPMed below 0.00001.

Submissions (4):

Athena Diagnostics
Classification: Uncertain significance. Last evaluated: 2023-03-28. Review status: criteria provided, single submitter. Criteria: Athena Diagnostics Criteria. Collection method: clinical testing. Allele origin: unknown.
Comment: Available data are insufficient to determine the clinical significance of the variant at this time. The frequency of this variant in the general population is uninformative in assessment of its pathogenicity. This variant has been identified in at least one family with clinical features associated with this gene. This variant was identified in the heterozygous state in both affected and asymptomatic members of the family. This variant was also identified in the homozygous state in other affected members of the family. Computational tools disagree on the variant's effect on normal protein function.

Labcorp Genetics (formerly Invitae), Labcorp
Classification: Uncertain significance for Hereditary spastic paraplegia 3A. Last evaluated: 2021-10-20. Review status: criteria provided, single submitter. Criteria: Invitae Variant Classification Sherloc (09022015). Collection method: clinical testing. Allele origin: germline.
Comment: This variant disrupts the p.Arg415 amino acid residue in ATL1. Other variant(s) that disrupt this residue have been determined to be pathogenic (PMID: 15184642, 16401858, 19459885, 20932283, 23483706, 24417445, 24451228, 26671083). This suggests that this residue is clinically significant, and that variants that disrupt this residue are likely to be disease-causing. This sequence change replaces arginine with glutamine at codon 415 of the ATL1 protein (p.Arg415Gln). The arginine residue is highly conserved and there is a small physicochemical difference between arginine and glutamine. This variant is not present in population databases (ExAC no frequency). This missense change has been observed in individual(s) with autosomal dominant and autosomal recessive hereditary spastic paraplegia (PMID: 23483706). It has also been observed to segregate with disease in related individuals. ClinVar contains an entry for this variant (Variation ID: 56844). Advanced modeling of protein sequence and biophysical properties (such as structural, functional, and spatial information, amino acid conservation, physicochemical variation, residue mobility, and thermodynamic stability) performed at Invitae indicates that this missense variant is not expected to disrupt ATL1 protein function. In summary, the available evidence is currently insufficient to determine the role of this variant in disease. Therefore, it has been classified as a Variant of Uncertain Significance.

GeneDx
Classification: Likely pathogenic. Last evaluated: 2017-03-21. Review status: criteria provided, single submitter. Criteria: GeneDx Variant Classification (06012015). Collection method: clinical testing. Allele origin: germline. Affected: yes.
Comment: The R415Q variant in the ATL1 gene has been reported previously in multiple individuals in a family affected with hereditary spastic paraplegia in both the homozygous and heterozygous state (Varga et al., 2013). The R415Q variant is not observed in large population cohorts (Lek et al., 2016; 1000 Genomes Consortium et al., 2015; Exome Variant Server). The R415Q variant is a semi-conservative amino acid substitution, which may impact secondary protein structure as these residues differ in some properties. This substitution occurs at a position that is conserved across species. In silico analysis is inconsistent in its predictions as to whether or not the variant is damaging to the protein structure/function. The R415Q variant is a strong candidate for a pathogenic variant, however the possibility it may be a rare benign variant cannot be excluded.

OMIM
Classification: Pathogenic for SPASTIC PARAPLEGIA 3, AUTOSOMAL DOMINANT. Last evaluated: 2013-06-01. Review status: no assertion criteria provided. Collection method: literature only. Allele origin: germline. Not counted in ClinVar's aggregate classification.

Literature cited by the submitters: PubMed 23483706 (cited by 3 submitters); PubMed 31589614 (cited by Athena Diagnostics); PubMed 26986070 (cited by Athena Diagnostics); PubMed 15184642 (cited by Labcorp Genetics (formerly Invitae), Labcorp); PubMed 16401858 (cited by Labcorp Genetics (formerly Invitae), Labcorp); PubMed 19459885 (cited by Labcorp Genetics (formerly Invitae), Labcorp); PubMed 20932283 (cited by Labcorp Genetics (formerly Invitae), Labcorp); PubMed 24417445 (cited by Labcorp Genetics (formerly Invitae), Labcorp); PubMed 24451228 (cited by Labcorp Genetics (formerly Invitae), Labcorp); PubMed 26671083 (cited by Labcorp Genetics (formerly Invitae), Labcorp).